The following is an entry in ClinVar:

ClinVar aggregate classification (germline): Pathogenic. Review status: criteria provided, multiple submitters, no conflicts (2 of 4 stars). 12 submissions from 11 submitters: Pathogenic (11). 1 of the submissions does not count toward it. Last evaluated 2025-10-30.

Conditions:
USH2A-related disorder. Also called: USH2A-related disorders; USH2A-related condition. Identifiers: MedGen CN239332.
Retinitis pigmentosa 39 (RP39). Identifiers: Orphanet 791, MedGen C3151138, MONDO:0013436, OMIM 613809.
Usher syndrome type 2A. Also called: USHER SYNDROME, TYPE IIA; RETINAL DISEASE IN USHER SYNDROME TYPE IIA, MODIFIER OF. Identifiers: Orphanet 231178, Orphanet 886, MedGen C1848634, MONDO:0010169, OMIM 276901.
Usher syndrome. Also called: Usher Syndromes; Usher's syndrome. Identifiers: Orphanet 886, MedGen CN469326, MeSH D052245, MONDO:0019501. Disease mechanism: loss of function.

Allele frequency attached by ClinVar (database versions not stated): gnomAD 0.00001.
gnomAD v4.1: 2 of 1,613,674 alleles (0.00012%); highest among the groups gnomAD compares: African/African-American, 0.0027%; no homozygotes.

Submissions (12):

PreventionGenetics, part of Exact Sciences
Classification: Pathogenic for USH2A-related condition. Last evaluated: 2025-10-30. Review status: criteria provided, single submitter. Criteria: ACMG Guidelines, 2015. Collection method: clinical testing. Allele origin: germline.
Comment: The USH2A c.5399G>A variant is predicted to result in premature protein termination (p.Trp1800*). This variant has been reported in individuals with autosomal recessive Usher syndrome or retinal disease (see for example: supplementary table 1, Baux et al. 2014. PubMed ID: 24944099; Table S2 Weisschuh et al. 2020. PubMed ID: 32531858; supplementary data, Mansard et al. 2021. PubMed ID: 34948090; supplementary data, Li et al. 2022. PubMed ID: 36110214; supplementary data, Panneman et al. 2023. PubMed ID: 36819107). This variant has not been reported in a large population database (gnomAD), indicating this variant is rare. Nonsense variants in USH2A are expected to be causative for disease. This variant is interpreted as pathogenic.

Natera, Inc.
Classification: Pathogenic for Usher syndrome type 2A. Last evaluated: 2025-01-15. Review status: criteria provided, single submitter. Criteria: Natera Variant Classification Schema (03/2026). Collection method: clinical testing. Allele origin: germline.
Comment: The c.5399G>A variant in USH2A is a nonsense variant predicted to introduce a stop codon at amino acid 1800. This variant is expected to result in nonsense mediated decay, truncation, or a dysfunctional protein product. This variant is rare in the general population with a frequency below the threshold expected for the associated phenotype(s). This variant has been observed in one or more individuals affected with the associated recessive disease, as either homozygous or compound heterozygous with a second variant (PMID: 24944099). Given the available evidence, this variant is classified as Pathogenic.

Fulgent Genetics
Classification: Pathogenic for Usher syndrome type 2A; Retinitis pigmentosa 39. Last evaluated: 2024-05-29. Review status: criteria provided, single submitter. Criteria: ACMG Guidelines, 2015. Collection method: clinical testing. Allele origin: germline.

Genome-Nilou Lab
Classification: Pathogenic for Retinitis pigmentosa 39. Last evaluated: 2023-11-04. Review status: criteria provided, single submitter. Criteria: ACMG Guidelines, 2015. Collection method: clinical testing. Allele origin: germline. Affected: no.

Genome-Nilou Lab
Classification: Pathogenic for Usher syndrome type 2A. Last evaluated: 2023-11-04. Review status: criteria provided, single submitter. Criteria: ACMG Guidelines, 2015. Collection method: clinical testing. Allele origin: germline. Affected: no.

Labcorp Genetics (formerly Invitae), Labcorp
Classification: Pathogenic. Last evaluated: 2023-07-29. Review status: criteria provided, single submitter. Criteria: Invitae Variant Classification Sherloc (09022015). Collection method: clinical testing. Allele origin: germline.
Comment: ClinVar contains an entry for this variant (Variation ID: 556449). This premature translational stop signal has been observed in individual(s) with Usher syndrome (PMID: 24944099, 25575603). This variant is not present in population databases (gnomAD no frequency). This sequence change creates a premature translational stop signal (p.Trp1800*) in the USH2A gene. It is expected to result in an absent or disrupted protein product. Loss-of-function variants in USH2A are known to be pathogenic (PMID: 10729113, 10909849, 20507924, 25649381). For these reasons, this variant has been classified as Pathogenic.

Baylor Genetics
Classification: Pathogenic for Retinitis pigmentosa 39. Last evaluated: 2023-03-15. Review status: criteria provided, single submitter. Criteria: ACMG Guidelines, 2015. Collection method: clinical testing. Allele origin: unknown.

Women's Health and Genetics/Laboratory Corporation of America, LabCorp
Classification: Pathogenic for Usher syndrome. Last evaluated: 2022-11-08. Review status: criteria provided, single submitter. Criteria: LabCorp Variant Classification Summary - May 2015. Collection method: clinical testing. Allele origin: germline.
Comment: Variant summary: USH2A c.5399G>A (p.Trp1800X) results in a premature termination codon, predicted to cause a truncation of the encoded protein or absence of the protein due to nonsense mediated decay, which are commonly known mechanisms for disease. Truncations downstream of this position have been classified as pathogenic by our laboratory. The variant was absent in 250992 control chromosomes (gnomAD). c.5399G>A has been reported in the literature in individuals affected with Usher Syndrome and Retinitis Pigmentosa (Baux_2014, Lenarduzzi_2015, Weisschuh_2020, Mansard_2021). Multiple patients were reported as compound heterozygous, carrying a second (likely) pathogenic variant, and at least one of which was confirmed in trans based on parental testing. These data indicate that the variant is very likely to be associated with disease. To our knowledge, no experimental evidence demonstrating an impact on protein function has been reported. Four clinical diagnostic laboratories have submitted clinical-significance assessments for this variant to ClinVar after 2014 without evidence for independent evaluation. All laboratories classified the variant as pathogenic. Based on the evidence outlined above, the variant was classified as pathogenic.

Genetics and Molecular Pathology, SA Pathology
Classification: Pathogenic for Usher syndrome type 2A. Last evaluated: 2022-04-07. Review status: criteria provided, single submitter. Criteria: ACMG Guidelines, 2015. Collection method: clinical testing. Allele origin: germline. Inheritance: Autosomal recessive inheritance. Affected: yes.
Comment: The USH2A c.5399G>A variant is classified as PATHOGENIC (PVS1, PS4, PM3) The USH2A c.5399G>A variant is a single nucleotide change which is predicted to result in premature termination of the protein product at codon 1800 (PVS1). The variant has been reported in several individuals with a clinical presentation of Usher syndrome, type 2A (PMID:24944099; 32531858) (PS4). This variant is in dbSNP (rs1553299079) and has been reported in population databases (gnomAD 2/152142 allelels, no homozygotes. This variant has been reported in ClinVar as pathogenic for Usher syndrome and retinal dystrophy by other diagnostic laboratories (ClinVar Variation ID: 556449) and as damaging for Usher syndrome 2 in the disease database HGMD (CM149920).

Blueprint Genetics
Classification: Pathogenic for USH2A-related disorders. Last evaluated: 2019-07-03. Review status: criteria provided, single submitter. Criteria: ACMG Guidelines, 2015. Collection method: clinical testing. Allele origin: germline. Affected: yes. Observed: 1 variant allele.

CeGaT Center for Human Genetics Tuebingen
Classification: Pathogenic. Last evaluated: 2017-09-01. Review status: criteria provided, single submitter. Criteria: CeGaT Center For Human Genetics Tuebingen Variant Classification Criteria Version 2. Collection method: clinical testing. Allele origin: germline. Affected: yes. Observed: 1 variant allele.

Counsyl
Classification: Pathogenic for Usher syndrome type 2A; Retinitis pigmentosa 39. Last evaluated: 2018-01-31. Review status: no assertion criteria provided. Collection method: clinical testing. Allele origin: unknown. Not counted in ClinVar's aggregate classification.

Literature cited by the submitters: PubMed 24944099 (cited by 5 submitters); PubMed 25575603 (cited by 3 submitters); PubMed 10729113 (cited by Labcorp Genetics (formerly Invitae), Labcorp); PubMed 10909849 (cited by Labcorp Genetics (formerly Invitae), Labcorp); PubMed 20507924 (cited by Labcorp Genetics (formerly Invitae), Labcorp); PubMed 25649381 (cited by Labcorp Genetics (formerly Invitae), Labcorp); PubMed 32531858 (cited by Women's Health and Genetics/Laboratory Corporation of America, LabCorp); PubMed 34948090 (cited by Women's Health and Genetics/Laboratory Corporation of America, LabCorp).

NM_206933.4(USH2A):c.5399G>A (p.Trp1800Ter)

Genes: USH2A (usherin; minus strand), USH2A-AS2 (USH2A antisense RNA 2; plus strand). Cytogenetic location: 1q41.
Variant type: single nucleotide variant.
Coding change: c.5399G>A on transcript NM_206933.4 (MANE Select); coding-DNA position 5399, G replaced by A.
Protein change: p.Trp1800Ter; replaces tryptophan 1800 with a stop codon.
Molecular consequence: nonsense.
Genome position (GRCh38, 1-based): chr1:216,078,262, C>T on the plus strand (G>A on the coding strand, the complement: USH2A is on the minus strand). VCF-style: chr1-216078262-C-T. GRCh37 (hg19) VCF-style: chr1-216251604-C-T.
Other names: short protein forms W1800*.
Identifiers: ClinVar variation 556449 (VCV000556449.57), dbSNP rs1553299079, ClinGen allele CA344856312.
Genomic context (GRCh38, chr1:216,078,262, plus strand): 5'-ATCAGTCCATTCACACTTGCTGATATGAAAGAGCCTTCCTTTTTAATAATGACTTTATTC[C>T]ACTTTCCATTACAATAGGATAGCCCCAGCAATAGATCCACTTGTGTAAAGGCAAGACTGG-3'